The following is an entry in ClinVar:

ClinVar aggregate classification (germline): Conflicting classifications of pathogenicity. Review status: criteria provided, conflicting classifications (1 of 4 stars). 3 submissions from 3 submitters: Uncertain significance (2); Likely benign (1). Last evaluated 2026-01-16.

Conditions:
Hereditary cancer-predisposing syndrome. Also called: Neoplastic Syndromes, Hereditary; Hereditary neoplastic syndrome; Tumor predisposition; Hereditary Cancer Syndrome. Identifiers: Orphanet 140162, MedGen C0027672, MeSH D009386, MONDO:0015356.

Allele frequency attached by ClinVar (database versions not stated): gnomAD exomes below 0.00001.
gnomAD v4.1: 1 of 1,570,816 alleles (0.000064%); no homozygotes.

Submissions (3):

Ambry Genetics
Classification: Likely benign for Hereditary cancer-predisposing syndrome. Last evaluated: 2026-01-16. Review status: criteria provided, single submitter. Criteria: Ambry Variant Classification Scheme 2023. Collection method: clinical testing. Allele origin: germline.

Labcorp Genetics (formerly Invitae), Labcorp
Classification: Uncertain significance. Last evaluated: 2025-04-18. Review status: criteria provided, single submitter. Criteria: Invitae Variant Classification Sherloc (09022015). Collection method: clinical testing. Allele origin: germline.
Comment: This sequence change replaces alanine, which is neutral and non-polar, with threonine, which is neutral and polar, at codon 724 of the POLE protein (p.Ala724Thr). The frequency data for this variant in the population databases is considered unreliable, as metrics indicate poor data quality at this position in the gnomAD database. This variant has not been reported in the literature in individuals affected with POLE-related conditions. ClinVar contains an entry for this variant (Variation ID: 661925). Invitae Evidence Modeling of protein sequence and biophysical properties (such as structural, functional, and spatial information, amino acid conservation, physicochemical variation, residue mobility, and thermodynamic stability) indicates that this missense variant is not expected to disrupt POLE protein function with a negative predictive value of 80%. In summary, the available evidence is currently insufficient to determine the role of this variant in disease. Therefore, it has been classified as a Variant of Uncertain Significance.

Quest Diagnostics Nichols Institute San Juan Capistrano
Classification: Uncertain significance. Last evaluated: 2019-03-06. Review status: criteria provided, single submitter. Criteria: Quest Diagnostics criteria. Collection method: clinical testing. Allele origin: germline.

NM_006231.4(POLE):c.2170G>A (p.Ala724Thr)

Gene: POLE (DNA polymerase epsilon, catalytic subunit; minus strand). Cytogenetic location: 12q24.33.
Variant type: single nucleotide variant.
Coding change: c.2170G>A on transcript NM_006231.4 (MANE Select); coding-DNA position 2170, G replaced by A.
Protein change: p.Ala724Thr; replaces alanine 724 with threonine.
Molecular consequence: missense variant.
Genome position (GRCh38, 1-based): chr12:132,668,359, C>T on the plus strand (G>A on the coding strand, the complement: POLE is on the minus strand). VCF-style: chr12-132668359-C-T. GRCh37 (hg19) VCF-style: chr12-133244945-C-T.
Other names: c.2170G>A (NM_006231.2); short protein forms A724T.
Identifiers: ClinVar variation 661925 (VCV000661925.13), dbSNP rs866871212, ClinGen allele CA246288620.
Genomic context (GRCh38, chr12:132,668,359, plus strand): 5'-CAGAAAGTGGGAGCAGGAGCCACATCTTTACAGCCGTGACCATGCCCAGGCACTCACCCG[C>T]CAGCCTTCTCTTCTCGTATTTCGCCTGTTCCTCGCGGGACAGTTCATGAAAGGCCCGAGC-3'
Protein context (NP_006222.2, residues 714-734): EQAKYEKRRL[Ala724Thr]DYCRKAYKKI